The following is an entry in ClinVar:

ClinVar aggregate classification (germline): Uncertain significance (1 of 4 stars; one submission).

Conditions:
Autosomal dominant nocturnal frontal lobe epilepsy 5. Also called: CILIARY DYSKINESIA, PRIMARY, 28, WITHOUT SITUS INVERSUS; CILIARY DYSKINESIA, PRIMARY, 28, WITH SITUS INVERSUS; KCNT1-Related Epilepsy; Epilepsy, nocturnal frontal lobe, 5. Identifiers: Orphanet 98784, MedGen C3554306, MONDO:0014002, OMIM 615005.
Developmental and epileptic encephalopathy, 14 (DEE14). Also called: Early infantile epileptic encephalopathy 14. Identifiers: Orphanet 293181, MedGen C3554195, MONDO:0013989, OMIM 614959.

Submission:

Labcorp Genetics (formerly Invitae), Labcorp
Classification: Uncertain significance for Autosomal dominant nocturnal frontal lobe epilepsy 5; Developmental and epileptic encephalopathy, 14. Last evaluated: 2025-12-05. Review status: criteria provided, single submitter. Criteria: Invitae Variant Classification Sherloc (09022015). Collection method: clinical testing. Allele origin: germline.
Comment: This sequence change replaces phenylalanine, which is neutral and non-polar, with serine, which is neutral and polar, at codon 912 of the KCNT1 protein (p.Phe912Ser). This variant is not present in population databases (gnomAD no frequency). This variant has not been reported in the literature in individuals affected with KCNT1-related conditions. Invitae Evidence Modeling of protein sequence and biophysical properties (such as structural, functional, and spatial information, amino acid conservation, physicochemical variation, residue mobility, and thermodynamic stability) indicates that this missense variant is expected to disrupt KCNT1 protein function with a positive predictive value of 80%. In summary, the available evidence is currently insufficient to determine the role of this variant in disease. Therefore, it has been classified as a Variant of Uncertain Significance.

NM_020822.3(KCNT1):c.2735T>C (p.Phe912Ser)

Gene: KCNT1 (potassium sodium-activated channel subfamily T member 1; plus strand). Cytogenetic location: 9q34.3.
Variant type: single nucleotide variant.
Coding change: c.2735T>C on transcript NM_020822.3 (MANE Select); coding-DNA position 2735, T replaced by C.
Protein change: p.Phe912Ser; replaces phenylalanine 912 with serine.
Molecular consequence: missense variant.
Genome position (GRCh38, 1-based): chr9:135,779,364, T>C. VCF-style: chr9-135779364-T-C. GRCh37 (hg19) VCF-style: chr9-138671210-T-C.
Other names: c.2600T>C, p.Phe867Ser (NM_001272003.2); short protein forms F867S, F912S.
Identifiers: ClinVar variation 4782658 (VCV004782658.1).